The following is an entry in ClinVar:

NM_000138.5(FBN1):c.3572A>G (p.Asp1191Gly)

Gene: FBN1 (fibrillin 1; minus strand). Cytogenetic location: 15q21.1.
Variant type: single nucleotide variant.
Coding change: c.3572A>G on transcript NM_000138.5 (MANE Select); coding-DNA position 3572, A replaced by G.
Protein change: p.Asp1191Gly; replaces aspartic acid 1191 with glycine.
Molecular consequence: missense variant.
Genome position (GRCh38, 1-based): chr15:48,487,092, T>C on the plus strand (A>G on the coding strand, the complement: FBN1 is on the minus strand). VCF-style: chr15-48487092-T-C. GRCh37 (hg19) VCF-style: chr15-48779289-T-C.
Other names: c.3572A>G, p.Asp1191Gly (NM_001406716.1); short protein forms D1191G.
Identifiers: ClinVar variation 2935318 (VCV002935318.3), dbSNP rs2505549018, ClinGen allele CA392324910.

ClinVar aggregate classification (germline): Uncertain significance (1 of 4 stars; one submission).

Conditions:
Marfan syndrome (MFS). Also called: MARFAN SYNDROME, TYPE I; Marfan syndrome type 1; Marfan's syndrome; Marfan syndrome, classic; FBN1-Related Marfan Syndrome. Identifiers: Orphanet 284963, Orphanet 558, MedGen C0024796, MONDO:0007947, OMIM 154700.
Familial thoracic aortic aneurysm and aortic dissection (TAAD). Also called: Thoracic aortic aneurysms and dissections. Identifiers: Orphanet 91387, MedGen C4707243, MONDO:0019625.

Submission:

Labcorp Genetics (formerly Invitae), Labcorp
Classification: Uncertain significance for Marfan syndrome; Familial thoracic aortic aneurysm and aortic dissection. Last evaluated: 2023-11-10. Review status: criteria provided, single submitter. Criteria: Invitae Variant Classification Sherloc (09022015). Collection method: clinical testing. Allele origin: germline.
Comment: This sequence change replaces aspartic acid, which is acidic and polar, with glycine, which is neutral and non-polar, at codon 1191 of the FBN1 protein (p.Asp1191Gly). This variant is not present in population databases (gnomAD no frequency). This variant has not been reported in the literature in individuals affected with FBN1-related conditions. Advanced modeling of protein sequence and biophysical properties (such as structural, functional, and spatial information, amino acid conservation, physicochemical variation, residue mobility, and thermodynamic stability) performed at Invitae indicates that this missense variant is expected to disrupt FBN1 protein function with a positive predictive value of 95%. Algorithms developed to predict the effect of sequence changes on RNA splicing suggest that this variant may create or strengthen a splice site. In summary, the available evidence is currently insufficient to determine the role of this variant in disease. Therefore, it has been classified as a Variant of Uncertain Significance.